The following is an entry in ClinVar:

NM_207361.6(FREM2):c.2812G>A (p.Asp938Asn)

Gene: FREM2 (FRAS1 related extracellular matrix 2; plus strand). Cytogenetic location: 13q13.3.
Variant type: single nucleotide variant.
Coding change: c.2812G>A on transcript NM_207361.6 (MANE Select); coding-DNA position 2812, G replaced by A.
Protein change: p.Asp938Asn; replaces aspartic acid 938 with asparagine.
Molecular consequence: missense variant.
Genome position (GRCh38, 1-based): chr13:38,690,156, G>A. VCF-style: chr13-38690156-G-A. GRCh37 (hg19) VCF-style: chr13-39264293-G-A.
Other names: c.2812G>A (NM_207361.4); short protein forms D938N.
Identifiers: ClinVar variation 2174087 (VCV002174087.3), dbSNP rs140907710, ClinGen allele CA6954678.

ClinVar aggregate classification (germline): Uncertain significance. Review status: criteria provided, multiple submitters, no conflicts (2 of 4 stars). 3 submissions from 3 submitters: Uncertain significance (3). Last evaluated 2024-04-08.

Conditions:
Fraser syndrome 2 (FRASRS2). Identifiers: MedGen C4540036, MONDO:0054738, OMIM 617666.
Isolated cryptophthalmia. Also called: Cryptophthalmos, unilateral or bilateral, isolated; ANKYLOBLEPHARON, SIMPLE. Identifiers: Orphanet 91396, MedGen C1852453, MONDO:0007410, OMIM 123570.
Inborn genetic diseases. Identifiers: MedGen C0950123, MeSH D030342.

Allele frequency attached by ClinVar (database versions not stated): ExAC 0.00002; gnomAD exomes 0.00005; TOPMed 0.00005; gnomAD 0.00006; ESP Exome Variant Server 0.00015.

Submissions (3):

Fulgent Genetics
Classification: Uncertain significance for Isolated cryptophthalmia; Fraser syndrome 2. Last evaluated: 2024-04-08. Review status: criteria provided, single submitter. Criteria: ACMG Guidelines, 2015. Collection method: clinical testing. Allele origin: germline.

Ambry Genetics
Classification: Uncertain significance for Inborn genetic diseases. Last evaluated: 2024-03-18. Review status: criteria provided, single submitter. Criteria: Ambry Variant Classification Scheme 2023. Collection method: clinical testing. Allele origin: germline.

Labcorp Genetics (formerly Invitae), Labcorp
Classification: Uncertain significance. Last evaluated: 2022-05-10. Review status: criteria provided, single submitter. Criteria: Invitae Variant Classification Sherloc (09022015). Collection method: clinical testing. Allele origin: germline.
Comment: This sequence change replaces aspartic acid, which is acidic and polar, with asparagine, which is neutral and polar, at codon 938 of the FREM2 protein (p.Asp938Asn). This variant is present in population databases (rs140907710, gnomAD 0.005%). This variant has not been reported in the literature in individuals affected with FREM2-related conditions. Algorithms developed to predict the effect of missense changes on protein structure and function output the following: SIFT: "Tolerated"; PolyPhen-2: "Benign"; Align-GVGD: "Class C0". The asparagine amino acid residue is found in multiple mammalian species, which suggests that this missense change does not adversely affect protein function. In summary, the available evidence is currently insufficient to determine the role of this variant in disease. Therefore, it has been classified as a Variant of Uncertain Significance.